The following is an entry in ClinVar:

ClinVar aggregate classification (germline): Pathogenic (1 of 4 stars; one submission).

Conditions:
Neurofibromatosis, type 2 (SWNV). Also called: BILATERAL ACOUSTIC NEUROFIBROMATOSIS; SCHWANNOMATOSIS, VESTIBULAR; NF2-Related Schwannomatosis. Identifiers: Orphanet 637, MedGen C0027832, MONDO:0007039, OMIM 101000. Disease mechanism: loss of function.

Submission:

Labcorp Genetics (formerly Invitae), Labcorp
Classification: Pathogenic for Neurofibromatosis, type 2. Last evaluated: 2022-11-08. Review status: criteria provided, single submitter. Criteria: Invitae Variant Classification Sherloc (09022015). Collection method: clinical testing. Allele origin: germline.
Comment: This sequence change creates a premature translational stop signal (p.Leu549*) in the NF2 gene. It is expected to result in an absent or disrupted protein product. Loss-of-function variants in NF2 are known to be pathogenic (PMID: 9643284, 16983642). This variant is not present in population databases (gnomAD no frequency). For these reasons, this variant has been classified as Pathogenic. ClinVar contains an entry for this variant (Variation ID: 659824). This variant has not been reported in the literature in individuals affected with NF2-related conditions.

Literature cited by the submitters: PubMed 9643284; PubMed 16983642.

NM_000268.4(NF2):c.1646T>A (p.Leu549Ter)

Gene: NF2 (NF2, moesin-ezrin-radixin like (MERLIN) tumor suppressor; plus strand). Cytogenetic location: 22q12.2.
Variant type: single nucleotide variant.
Coding change: c.1646T>A on transcript NM_000268.4 (MANE Select); coding-DNA position 1646, T replaced by A.
Protein change: p.Leu549Ter; replaces leucine 549 with a stop codon.
Molecular consequence: nonsense. On other transcripts: non-coding transcript variant (1), intron variant (1).
Genome position (GRCh38, 1-based): chr22:29,681,510, T>A. VCF-style: chr22-29681510-T-A. GRCh37 (hg19) VCF-style: chr22-30077499-T-A.
Other names: c.1646T>A, p.Leu549Ter (NM_016418.5, NM_181825.3, NM_181832.3); c.1520T>A, p.Leu507Ter (NM_181828.3); c.1523T>A, p.Leu508Ter (NM_181829.3); c.1397T>A, p.Leu466Ter (NM_181830.3, NM_181831.3); c.448-13242T>A (NM_181833.3); short protein forms L508*, L466*, L549*, L507*.
Identifiers: ClinVar variation 659824 (VCV000659824.7), dbSNP rs1601666156, ClinGen allele CA411150163.
Genomic context (GRCh38, chr22:29,681,510, plus strand): 5'-TGGAAAAGAGCAAGCATCTGCAGGAGCAGCTCAATGAACTCAAGACAGAAATCGAGGCCT[T>A]GAAACTGAAAGAGAGGGAGACAGCTCTGGATATTCTGCACAATGAGAACTCCGACAGGGG-3'